The following is an entry in ClinVar:

NM_000059.4(BRCA2):c.6658_6661del (p.Glu2220fs)

Gene: BRCA2 (BRCA2 DNA repair associated; plus strand). Cytogenetic location: 13q13.1.
Variant type: Deletion.
Coding change: c.6658_6661del on transcript NM_000059.4 (MANE Select); coding-DNA positions 6658 to 6661, 4 bases deleted (GAAA; older notation c.6658_6661delGAAA).
Protein change: p.Glu2220fs; shifts the reading frame from glutamic acid 2220.
Molecular consequence: frameshift variant.
Genome position (GRCh38, 1-based): chr13:32,341,013-32,341,016, GAAA deleted; deleting any 4 consecutive bases within chr13:32,341,012-32,341,016 gives the same sequence; the c. name uses the placement nearest the transcript's 3' end. VCF-style (leftmost placement, unchanged base first): chr13-32341011-CAGAA-C. GRCh37 (hg19) VCF-style: chr13-32915148-CAGAA-C.
Other names: 6886del4; c.6658_6661delGAAA (NM_000059.3).
Identifiers: ClinVar variation 52150 (VCV000052150.3), dbSNP rs80359617, ClinGen allele CA024265.
Genomic context (GRCh38, chr13:32,341,011, plus strand): 5'-CTTTTTCTGATGTTCCTGTGAAAACAAATATAGAAGTTTGTTCTACTTACTCCAAAGATT[CAGAA>C]AACTACTTTGAAACAGAAGCAGTAGAAATTGCTAAAGCTTTTATGGAAGATGATGAACTG-3'

ClinVar aggregate classification (germline): Pathogenic. Review status: reviewed by expert panel (3 of 4 stars). 3 submissions from 3 submitters: Pathogenic (1). 2 of the submissions do not count toward it. Last evaluated 2016-09-08.

Conditions:
Breast-ovarian cancer, familial, susceptibility to, 2 (BROVCA2). Also called: BRCA2 Hereditary Breast and Ovarian Cancer. Identifiers: Orphanet 145, MedGen C2675520, MONDO:0012933, OMIM 612555. Disease mechanism: loss of function.

Submissions (3):

Evidence-based Network for the Interpretation of Germline Mutant Alleles (ENIGMA)
Classification: Pathogenic for Breast-ovarian cancer, familial, susceptibility to, 2. Last evaluated: 2016-09-08. Review status: reviewed by expert panel. Criteria: ENIGMA BRCA1/2 Classification Criteria (2015). Collection method: curation. Allele origin: germline.
Comment: Variant allele predicted to encode a truncated non-functional protein.

Consortium of Investigators of Modifiers of BRCA1/2 (CIMBA), c/o University of Cambridge
Classification: Pathogenic for Breast-ovarian cancer, familial, susceptibility to, 2. Last evaluated: 2015-10-02. Review status: criteria provided, single submitter. Criteria: CIMBA Mutation Classification guidelines May 2016. Collection method: clinical testing. Allele origin: germline. Not counted in ClinVar's aggregate classification.

Breast Cancer Information Core (BIC) (BRCA2)
Classification: Pathogenic for Breast-ovarian cancer, familial 2. Last evaluated: 2002-05-29. Review status: no assertion criteria provided. Collection method: clinical testing. Allele origin: germline. Affected: yes. Observed: 2 variant alleles. Not counted in ClinVar's aggregate classification.